The following is an entry in ClinVar:

NM_021954.4(GJA3):c.864C>G (p.Pro288=)

Gene: GJA3 (gap junction protein alpha 3; minus strand). Cytogenetic location: 13q12.11.
Variant type: single nucleotide variant.
Coding change: c.864C>G on transcript NM_021954.4 (MANE Select); coding-DNA position 864, C replaced by G.
Protein change: p.Pro288=; no amino-acid change (proline 288 retained).
Molecular consequence: synonymous variant.
Genome position (GRCh38, 1-based): chr13:20,142,425, G>C on the plus strand (C>G on the coding strand, the complement: GJA3 is on the minus strand). VCF-style: chr13-20142425-G-C. GRCh37 (hg19) VCF-style: chr13-20716564-G-C.
Identifiers: ClinVar variation 2643667 (VCV002643667.24), dbSNP rs778329845, ClinGen allele CA6904033.

ClinVar aggregate classification (germline): Likely benign (1 of 4 stars; one submission).

gnomAD v4.1: 4 of 1,499,692 alleles (0.00027%); highest among the groups gnomAD compares: South Asian, 0.0027%; no homozygotes.

Submission:

CeGaT Center for Human Genetics Tuebingen
Classification: Likely benign. Last evaluated: 2022-08-01. Review status: criteria provided, single submitter. Criteria: CeGaT Center For Human Genetics Tuebingen Variant Classification Criteria Version 2. Collection method: clinical testing. Allele origin: germline. Affected: yes. Observed: 1 variant allele.
Comment: GJA3: BP4, BP7